The following is an entry in ClinVar:

ClinVar aggregate classification (germline): Uncertain significance. Review status: criteria provided, multiple submitters, no conflicts (2 of 4 stars). 2 submissions from 2 submitters: Uncertain significance (2). Last evaluated 2025-10-02.

Conditions:
Cardiovascular phenotype. Identifiers: MedGen CN230736.

gnomAD v4.1: 4 of 1,613,458 alleles (0.00025%); highest among the groups gnomAD compares: Non-Finnish European, 0.00034%; no homozygotes.

Submissions (2):

Ambry Genetics
Classification: Uncertain significance for Cardiovascular phenotype. Last evaluated: 2025-10-02. Review status: criteria provided, single submitter. Criteria: Ambry Variant Classification Scheme 2023. Collection method: clinical testing. Allele origin: germline.

Labcorp Genetics (formerly Invitae), Labcorp
Classification: Uncertain significance. Last evaluated: 2022-06-26. Review status: criteria provided, single submitter. Criteria: Invitae Variant Classification Sherloc (09022015). Collection method: clinical testing. Allele origin: germline.
Comment: In summary, the available evidence is currently insufficient to determine the role of this variant in disease. Therefore, it has been classified as a Variant of Uncertain Significance. Algorithms developed to predict the effect of missense changes on protein structure and function output the following: SIFT: "Tolerated"; PolyPhen-2: "Benign"; Align-GVGD: "Class C0". The lysine amino acid residue is found in multiple mammalian species, which suggests that this missense change does not adversely affect protein function. This variant has not been reported in the literature in individuals affected with ALPK3-related conditions. This variant is not present in population databases (gnomAD no frequency). This sequence change replaces glutamine, which is neutral and polar, with lysine, which is basic and polar, at codon 567 of the ALPK3 protein (p.Gln567Lys).

NM_020778.5(ALPK3):c.1093C>A (p.Gln365Lys)

Gene: ALPK3 (alpha kinase 3; plus strand). Cytogenetic location: 15q25.3.
Variant type: single nucleotide variant.
Coding change: c.1093C>A on transcript NM_020778.5 (MANE Select); coding-DNA position 1093, C replaced by A.
Protein change: p.Gln365Lys; replaces glutamine 365 with lysine.
Molecular consequence: missense variant.
Genome position (GRCh38, 1-based): chr15:84,840,372, C>A. VCF-style: chr15-84840372-C-A. GRCh37 (hg19) VCF-style: chr15-85383603-C-A.
Other names: c.1699C>A (NM_020778.4); short protein forms Q365K.
Identifiers: ClinVar variation 2010875 (VCV002010875.5), dbSNP rs773730492, ClinGen allele CA393374391.
Genomic context (GRCh38, chr15:84,840,372, plus strand): 5'-TGCATCCCCAGCTCAGACGAGCCTGACTCCTGTGGGACTCAGGGGCCCGTGGGCGTGGAG[C>A]AGGTTCAGACCCAGCCCAGAGGCAGGGCTGCACGGGGGCCTGGGTCCTCTGGCACAGATA-3'
Protein context (NP_065829.4, residues 355-375): CGTQGPVGVE[Gln365Lys]VQTQPRGRAA